The following is an entry in ClinVar:

ClinVar aggregate classification (germline): Uncertain significance (1 of 4 stars; one submission).

Submission:

Labcorp Genetics (formerly Invitae), Labcorp
Classification: Uncertain significance. Last evaluated: 2023-07-02. Review status: criteria provided, single submitter. Criteria: Invitae Variant Classification Sherloc (09022015). Collection method: clinical testing. Allele origin: germline.
Comment: In summary, the available evidence is currently insufficient to determine the role of this variant in disease. Therefore, it has been classified as a Variant of Uncertain Significance. An algorithm developed to predict the effect of missense changes on protein structure and function (PolyPhen-2) suggests that this variant is likely to be disruptive. This variant has not been reported in the literature in individuals affected with SORL1-related conditions. This variant is not present in population databases (gnomAD no frequency). This sequence change replaces leucine, which is neutral and non-polar, with proline, which is neutral and non-polar, at codon 495 of the SORL1 protein (p.Leu495Pro).

NM_003105.6(SORL1):c.1484T>C (p.Leu495Pro)

Gene: SORL1 (sortilin related receptor 1; plus strand). Cytogenetic location: 11q24.1.
Variant type: single nucleotide variant.
Coding change: c.1484T>C on transcript NM_003105.6 (MANE Select); coding-DNA position 1484, T replaced by C.
Protein change: p.Leu495Pro; replaces leucine 495 with proline.
Molecular consequence: missense variant.
Genome position (GRCh38, 1-based): chr11:121,522,665, T>C. VCF-style: chr11-121522665-T-C. GRCh37 (hg19) VCF-style: chr11-121393374-T-C.
Other names: short protein forms L495P.
Identifiers: ClinVar variation 2734581 (VCV002734581.3), dbSNP rs2496831756, ClinGen allele CA383024654.